The following is an entry in ClinVar:

ClinVar aggregate classification (germline): Uncertain significance (1 of 4 stars; one submission).

Allele frequency attached by ClinVar (database versions not stated): gnomAD exomes below 0.00001.
gnomAD v4.1: 2 of 1,613,860 alleles (0.00012%); highest among the groups gnomAD compares: Non-Finnish European, 0.000085%; no homozygotes.

Submission:

Labcorp Genetics (formerly Invitae), Labcorp
Classification: Uncertain significance. Last evaluated: 2021-09-14. Review status: criteria provided, single submitter. Criteria: Invitae Variant Classification Sherloc (09022015). Collection method: clinical testing. Allele origin: germline.
Comment: This sequence change replaces alanine with valine at codon 645 of the SPECC1L protein (p.Ala645Val). The alanine residue is moderately conserved and there is a small physicochemical difference between alanine and valine. This variant is not present in population databases (ExAC no frequency). This variant has not been reported in the literature in individuals with SPECC1L-related conditions. Algorithms developed to predict the effect of missense changes on protein structure and function are either unavailable or do not agree on the potential impact of this missense change (SIFT: "Deleterious"; PolyPhen-2: "Benign"; Align-GVGD: "Class C0"). In summary, the available evidence is currently insufficient to determine the role of this variant in disease. Therefore, it has been classified as a Variant of Uncertain Significance.

NM_015330.6(SPECC1L):c.1934C>T (p.Ala645Val)

Genes: SPECC1L-ADORA2A (SPECC1L-ADORA2A readthrough (NMD candidate); plus strand), SPECC1L (sperm antigen with calponin homology and coiled-coil domains 1 like; plus strand). Cytogenetic location: 22q11.23.
Variant type: single nucleotide variant.
Coding change: c.1934C>T on transcript NM_015330.6 (MANE Select); coding-DNA position 1934, C replaced by T.
Protein change: p.Ala645Val; replaces alanine 645 with valine.
Molecular consequence: missense variant. On other transcripts: non-coding transcript variant (1).
Genome position (GRCh38, 1-based): chr22:24,322,914, C>T. VCF-style: chr22-24322914-C-T. GRCh37 (hg19) VCF-style: chr22-24718882-C-T.
Other names: c.1934C>T, p.Ala645Val (NM_001145468.4, NM_001254732.3); short protein forms A645V.
Identifiers: ClinVar variation 1364276 (VCV001364276.8), dbSNP rs1380522694, ClinGen allele CA410972579.